The following is an entry in ClinVar:

ClinVar aggregate classification (germline): Uncertain significance (1 of 4 stars; one submission).

Submission:

GeneDx
Classification: Uncertain significance. Last evaluated: 2025-06-29. Review status: criteria provided, single submitter. Criteria: GeneDx Variant Classification Process June 2021. Collection method: clinical testing. Allele origin: germline. Affected: yes.
Comment: Not observed at significant frequency in large population cohorts (gnomAD); Frameshift variant predicted to result in protein truncation or nonsense mediated decay in a gene or region of a gene for which loss of function is not a well-established mechanism of disease; Has not been previously published as pathogenic or benign to our knowledge

NM_006922.4(SCN3A):c.1483del (p.Ser495fs)

Gene: SCN3A (sodium voltage-gated channel alpha subunit 3; minus strand). Cytogenetic location: 2q24.3.
Variant type: Deletion.
Coding change: c.1483del on transcript NM_006922.4 (MANE Select); coding-DNA position 1483, one base deleted (A; older notation c.1483delA).
Protein change: p.Ser495fs; shifts the reading frame from serine 495.
Molecular consequence: frameshift variant.
Genome position (GRCh38, 1-based): chr2:165,146,927, T deleted on the plus strand (A on the coding strand, the reverse complement: SCN3A is on the minus strand); the first of 4 consecutive T bases (chr2:165,146,927-165,146,930); deleting any one gives the same sequence. VCF-style (leftmost placement, unchanged base first): chr2-165146926-CT-C. GRCh37 (hg19) VCF-style: chr2-166003436-CT-C.
Other names: c.1483del, p.Ser495fs (NM_001081676.2, NM_001081677.2); short protein forms S495fs.
Identifiers: ClinVar variation 4539952 (VCV004539952.1).